The following is an entry in ClinVar:

NM_005422.4(TECTA):c.4611C>T (p.Pro1537=)

Genes: TBCEL-TECTA (TBCEL-TECTA readthrough; plus strand), TECTA (tectorin alpha; plus strand). Cytogenetic location: 11q23.3.
Variant type: single nucleotide variant.
Coding change: c.4611C>T on transcript NM_005422.4 (MANE Select); coding-DNA position 4611, C replaced by T.
Protein change: p.Pro1537=; no amino-acid change (proline 1537 retained).
Molecular consequence: synonymous variant.
Genome position (GRCh38, 1-based): chr11:121,158,146, C>T. VCF-style: chr11-121158146-C-T. GRCh37 (hg19) VCF-style: chr11-121028855-C-T.
Other names: c.5568C>T, p.Pro1856= (NM_001378761.1).
Identifiers: ClinVar variation 178540 (VCV000178540.24), dbSNP rs138477419, ClinGen allele CA182521.

ClinVar aggregate classification (germline): Conflicting classifications of pathogenicity. Review status: criteria provided, conflicting classifications (1 of 4 stars). 6 submissions from 5 submitters: Uncertain significance (1); Likely benign (5). Last evaluated 2024-12-05.

Conditions:
Autosomal recessive nonsyndromic hearing loss 21. Identifiers: Orphanet 90636, MedGen C1863655, MONDO:0011351, OMIM 603629.
Autosomal dominant nonsyndromic hearing loss 12. Also called: DEAFNESS, AUTOSOMAL DOMINANT 8. Identifiers: Orphanet 90635, MedGen C1832187, MONDO:0011102, OMIM 601543.

Allele frequency attached by ClinVar (database versions not stated): gnomAD exomes 0.00006 and 0.00016; ExAC 0.00015; 1000 Genomes Project 0.00040; 1000 Genomes Project 30x 0.00047; gnomAD 0.00054 and 0.00057; TOPMed 0.00068; ESP Exome Variant Server 0.00085.
gnomAD v4.1: 166 of 1,614,158 alleles (0.01%); highest among the groups gnomAD compares: African/African-American, 0.2%; 2 homozygotes.

Submissions (6):

Labcorp Genetics (formerly Invitae), Labcorp
Classification: Likely benign. Last evaluated: 2024-12-05. Review status: criteria provided, single submitter. Criteria: Invitae Variant Classification Sherloc (09022015). Collection method: clinical testing. Allele origin: germline.

Blueprint Genetics
Classification: Likely benign. Last evaluated: 2022-10-26. Review status: criteria provided, single submitter. Criteria: ACMG Guidelines, 2015. Collection method: clinical testing. Allele origin: germline.

ARUP Laboratories, Molecular Genetics and Genomics, ARUP Laboratories
Classification: Likely benign. Last evaluated: 2018-09-28. Review status: criteria provided, single submitter. Criteria: ARUP Molecular Germline Variant Investigation Process. Collection method: clinical testing. Allele origin: germline.

Illumina Laboratory Services, Illumina
Classification: Likely benign for Autosomal dominant nonsyndromic hearing loss 12. Last evaluated: 2018-01-13. Review status: criteria provided, single submitter. Criteria: ICSL Variant Classification Criteria 13 December 2019. Collection method: clinical testing. Allele origin: germline.
Comment: This variant was observed in the ICSL laboratory as part of a predisposition screen in an ostensibly healthy population. It had not been previously curated by ICSL or reported in the Human Gene Mutation Database (HGMD: prior to June 1st, 2018), and was therefore a candidate for classification through an automated scoring system. Utilizing variant allele frequency, disease prevalence and penetrance estimates, and inheritance mode, an automated score was calculated to assess if this variant is too frequent to cause the disease. Based on the score and internal cut-off values, a variant classified as likely benign is not then subjected to further curation. The score for this variant resulted in a classification of likely benign for this disease.

Illumina Laboratory Services, Illumina
Classification: Uncertain significance for Autosomal recessive nonsyndromic hearing loss 21. Last evaluated: 2018-01-13. Review status: criteria provided, single submitter. Criteria: ICSL Variant Classification Criteria 13 December 2019. Collection method: clinical testing. Allele origin: germline.

Laboratory for Molecular Medicine, Mass General Brigham Personalized Medicine
Classification: Likely benign. Last evaluated: 2012-04-30. Review status: criteria provided, single submitter. Criteria: LMM Criteria. Collection method: clinical testing. Allele origin: germline. Observed: 1 variant allele.
Comment: Pro1537Pro in Exon 13 of TECTA: This variant is not expected to have clinical si gnificance because it does not alter an amino acid residue, is not located withi n the splice consensus sequence, and has been identified in 0.3% (10/3738) of Af rican American chromosomes from a broad population by the NHLBI Exome Sequencing Project (dbSNP rs138477419).